The following is an entry in ClinVar:

NM_001145809.2(MYH14):c.5369G>A (p.Arg1790His)

Gene: MYH14 (myosin heavy chain 14; plus strand). Cytogenetic location: 19q13.33.
Variant type: single nucleotide variant.
Coding change: c.5369G>A on transcript NM_001145809.2 (MANE Select); coding-DNA position 5369, G replaced by A.
Protein change: p.Arg1790His; replaces arginine 1790 with histidine.
Molecular consequence: missense variant.
Genome position (GRCh38, 1-based): chr19:50,293,587, G>A. VCF-style: chr19-50293587-G-A. GRCh37 (hg19) VCF-style: chr19-50796844-G-A.
Other names: c.5270G>A, p.Arg1757His (NM_001077186.2); c.5246G>A, p.Arg1749His (NM_024729.4); c.5246G>A (NM_024729.3); short protein forms R1790H, R1749H, R1757H.
Identifiers: ClinVar variation 228881 (VCV000228881.5), dbSNP rs747480201, ClinGen allele CA9593778.

ClinVar aggregate classification (germline): Uncertain significance. Review status: criteria provided, multiple submitters, no conflicts (2 of 4 stars). 2 submissions from 2 submitters: Uncertain significance (2). Last evaluated 2024-03-25.

Conditions:
Inborn genetic diseases. Identifiers: MedGen C0950123, MeSH D030342.

Allele frequency attached by ClinVar (database versions not stated): gnomAD exomes below 0.00001 and 0.00001; ExAC 0.00001; gnomAD 0.00001.
gnomAD v4.1: 19 of 1,613,046 alleles (0.0012%); highest among the groups gnomAD compares: Non-Finnish European, 0.0015%; no homozygotes.

Submissions (2):

Ambry Genetics
Classification: Uncertain significance for Inborn genetic diseases. Last evaluated: 2024-03-25. Review status: criteria provided, single submitter. Criteria: Ambry Variant Classification Scheme 2023. Collection method: clinical testing. Allele origin: germline.

Laboratory for Molecular Medicine, Mass General Brigham Personalized Medicine
Classification: Uncertain significance. Last evaluated: 2015-01-22. Review status: criteria provided, single submitter. Criteria: LMM Criteria. Collection method: clinical testing. Allele origin: germline. Observed: 2 variant alleles.
Comment: The p.Arg1790His variant in MYH14 has not been previously reported in individual s with hearing loss, but has been identified in 1/66722 European chromosomes by the Exome Aggregation Consortium (ExAC). Computa tional prediction tools and conservation analysis suggest that this variant may impact the protein, though this information is not predictive enough to determin e pathogenicity. In summary, the clinical significance of the p.Arg1790His varia nt is uncertain.